The following is an entry in ClinVar:

NM_005359.6(SMAD4):c.758T>A (p.Phe253Tyr)

Gene: SMAD4 (SMAD family member 4; plus strand). Cytogenetic location: 18q21.2.
Variant type: single nucleotide variant.
Coding change: c.758T>A on transcript NM_005359.6 (MANE Select); coding-DNA position 758, T replaced by A.
Protein change: p.Phe253Tyr; replaces phenylalanine 253 with tyrosine.
Molecular consequence: missense variant.
Genome position (GRCh38, 1-based): chr18:51,058,215, T>A. VCF-style: chr18-51058215-T-A. GRCh37 (hg19) VCF-style: chr18-48584585-T-A.
Other names: short protein forms F253Y.
Identifiers: ClinVar variation 1490266 (VCV001490266.10), dbSNP rs2144427543, ClinGen allele CA402463042.
Genomic context (GRCh38, chr18:51,058,215, plus strand): 5'-ATAGTGAAGGACTGTTGCAGATAGCATCAGGGCCTCAGCCAGGACAGCAGCAGAATGGAT[T>A]TACTGGTCAGCCAGCTACTTACCATCATAGTATGTACATACTTTAAAAAATCTTTTAAAT-3'
Protein context (NP_005350.1, residues 243-263): GPQPGQQQNG[Phe253Tyr]TGQPATYHHN

ClinVar aggregate classification (germline): Uncertain significance. Review status: criteria provided, multiple submitters, no conflicts (2 of 4 stars). 3 submissions from 3 submitters: Uncertain significance (3). Last evaluated 2025-06-13.

Conditions:
Juvenile polyposis/hereditary hemorrhagic telangiectasia syndrome (JPHT). Also called: JP/HHT SYNDROME; JUVENILE POLYPOSIS WITH HEREDITARY HEMORRHAGIC TELANGIECTASIA; Juvenile Polyposis Syndrome / Hereditary Hemorrhagic Telangiectasia (JPS/HHT); POLYPOSIS, GENERALIZED JUVENILE, WITH PULMONARY ARTERIOVENOUS MALFORMATION; TELANGIECTASIA, HEREDITARY HEMORRHAGIC, WITH JUVENILE POLYPOSIS COLI. Identifiers: Orphanet 2929, MedGen C1832942, MONDO:0008278, OMIM 175050.
Juvenile polyposis syndrome (JPS). Identifiers: Orphanet 2929, MedGen C0345893, MONDO:0017380, OMIM 174900.

Submissions (3):

Dasa
Classification: Uncertain significance. Last evaluated: 2025-06-13. Review status: criteria provided, single submitter. Criteria: DASA Assertion Criteria. Collection method: clinical testing. Allele origin: germline.
Comment: NM_005359.6(SMAD4):c.758T>A (p.Phe253Tyr) is a missense variant that results in the substitution of phenylalanine with tyrosine. This variant is absent from population databases. Computational prediction algorithms are consistent with a benign effect. The currently available literature and clinical evidence are not sufficient to establish a definitive association between this variant and the reported condition. Therefore, this variant is classified as a variant of uncertain significance.

Labcorp Genetics (formerly Invitae), Labcorp
Classification: Uncertain significance for Juvenile polyposis syndrome. Last evaluated: 2024-04-10. Review status: criteria provided, single submitter. Criteria: Invitae Variant Classification Sherloc (09022015). Collection method: clinical testing. Allele origin: germline.
Comment: This sequence change replaces phenylalanine, which is neutral and non-polar, with tyrosine, which is neutral and polar, at codon 253 of the SMAD4 protein (p.Phe253Tyr). This variant is not present in population databases (gnomAD no frequency). This variant has not been reported in the literature in individuals affected with SMAD4-related conditions. ClinVar contains an entry for this variant (Variation ID: 1490266). Advanced modeling of protein sequence and biophysical properties (such as structural, functional, and spatial information, amino acid conservation, physicochemical variation, residue mobility, and thermodynamic stability) performed at Invitae indicates that this missense variant is not expected to disrupt SMAD4 protein function with a negative predictive value of 95%. In summary, the available evidence is currently insufficient to determine the role of this variant in disease. Therefore, it has been classified as a Variant of Uncertain Significance.

All of Us Research Program, National Institutes of Health
Classification: Uncertain significance for Juvenile polyposis/hereditary hemorrhagic telangiectasia syndrome. Last evaluated: 2023-09-17. Review status: criteria provided, single submitter. Criteria: ACMG Guidelines, 2015. Collection method: clinical testing. Allele origin: germline. Inheritance: Autosomal dominant inheritance. Observed: 1 variant allele, 1 heterozygote.
Comment: This missense variant replaces phenylalanine with tyrosine at codon 253 in the SMAD4 protein. Computational prediction suggests that this variant may not impact protein structure and function (internally defined REVEL score threshold <= 0.5, PMID: 27666373). To our knowledge, functional studies have not been reported for this variant. This variant has not been reported in individuals affected with SMAD4-related disorders in the literature. This variant has not been identified in the general population by the Genome Aggregation Database (gnomAD). The available evidence is insufficient to determine the role of this variant in disease conclusively. Therefore, this variant is classified as a Variant of Uncertain Significance.

This study involves interpretation of variants in research participants for the purpose of population health screening. Participant phenotype was not available at the time of variant classification. Additional details can be found in publication PMID: 35346344, PMCID: PMC8962531